The following is an entry in ClinVar:

ClinVar aggregate classification (germline): Conflicting classifications of pathogenicity. Review status: criteria provided, conflicting classifications (1 of 4 stars). 5 submissions from 5 submitters: Uncertain significance (4); Likely benign (1). Last evaluated 2026-01-28.

Conditions:
Spastic paraplegia. Identifiers: MedGen C0037772, HP:0001258.

Allele frequency attached by ClinVar (database versions not stated): ExAC 0.00006; gnomAD exomes 0.00006 and 0.00023; gnomAD 0.00009 and 0.00011; TOPMed 0.00010; ESP Exome Variant Server 0.00023.
gnomAD v4.1: 354 of 1,613,564 alleles (0.022%); highest among the groups gnomAD compares: Non-Finnish European, 0.028%; no homozygotes.

Submissions (5):

Labcorp Genetics (formerly Invitae), Labcorp
Classification: Likely benign for Spastic paraplegia. Last evaluated: 2026-01-28. Review status: criteria provided, single submitter. Criteria: Invitae Variant Classification Sherloc (09022015). Collection method: clinical testing. Allele origin: germline.

Mayo Clinic Laboratories, Mayo Clinic
Classification: Uncertain significance. Last evaluated: 2025-09-04. Review status: criteria provided, single submitter. Criteria: ACMG Guidelines, 2015. Collection method: clinical testing. Allele origin: germline. Observed: 3 variant alleles.
Comment: PM2_moderate

Blueprint Genetics
Classification: Uncertain significance. Last evaluated: 2024-10-24. Review status: criteria provided, single submitter. Criteria: ACMG Guidelines, 2015. Collection method: clinical testing. Allele origin: germline.

Athena Diagnostics
Classification: Uncertain significance. Last evaluated: 2022-08-08. Review status: criteria provided, single submitter. Criteria: Athena Diagnostics Criteria. Collection method: clinical testing. Allele origin: unknown.

CeGaT Center for Human Genetics Tuebingen
Classification: Uncertain significance. Last evaluated: 2019-03-01. Review status: criteria provided, single submitter. Criteria: CeGaT Center For Human Genetics Tuebingen Variant Classification Criteria Version 2. Collection method: clinical testing. Allele origin: germline. Affected: yes. Observed: 1 variant allele.

NM_014363.6(SACS):c.7288G>A (p.Glu2430Lys)

Gene: SACS (sacsin molecular chaperone; minus strand). Cytogenetic location: 13q12.12.
Variant type: single nucleotide variant.
Coding change: c.7288G>A on transcript NM_014363.6 (MANE Select); coding-DNA position 7288, G replaced by A.
Protein change: p.Glu2430Lys; replaces glutamic acid 2430 with lysine.
Molecular consequence: missense variant.
Genome position (GRCh38, 1-based): chr13:23,336,588, C>T on the plus strand (G>A on the coding strand, the complement: SACS is on the minus strand). VCF-style: chr13-23336588-C-T. GRCh37 (hg19) VCF-style: chr13-23910727-C-T.
Other names: p.Glu2430Lys; c.6847G>A, p.Glu2283Lys (NM_001278055.2); short protein forms E2430K, E2283K.
Identifiers: ClinVar variation 559185 (VCV000559185.54), dbSNP rs201798841, ClinGen allele CA6910935.